The following is an entry in ClinVar:

NM_020338.4(ZMIZ1):c.1302del (p.Asn435fs)

Gene: ZMIZ1 (zinc finger MIZ-type containing 1; plus strand). Cytogenetic location: 10q22.3.
Variant type: Deletion.
Coding change: c.1302del on transcript NM_020338.4 (MANE Select); coding-DNA position 1302, one base deleted (C; older notation c.1302delC).
Protein change: p.Asn435fs; shifts the reading frame from asparagine 435.
Molecular consequence: frameshift variant.
Genome position (GRCh38, 1-based): chr10:79,296,542, C deleted; the last of 5 consecutive C bases (chr10:79,296,538-79,296,542); deleting any one gives the same sequence. VCF-style (leftmost placement, unchanged base first): chr10-79296537-GC-G. GRCh37 (hg19) VCF-style: chr10-81056294-GC-G.
Other names: short protein forms N435fs.
Identifiers: ClinVar variation 4880563 (VCV004880563.2).

ClinVar aggregate classification (germline): Likely pathogenic (1 of 4 stars; one submission).

Submission:

Dasa
Classification: Likely pathogenic. Last evaluated: 2025-10-03. Review status: criteria provided, single submitter. Criteria: DASA Assertion Criteria. Collection method: clinical testing. Allele origin: germline.
Comment: NM_020338.4(ZMIZ1):c.1302del (p.Asn435Thrfs*86) is a frameshift variant in ZMIZ1 predicted to alter the reading frame and introduce a premature termination codon and is predicted to result in an absent or altered protein product. Loss of function is an established disease mechanism for ZMIZ1-associated disorders. Also, this variant is absent from population databases. Based on the currently available evidence, this variant is classified as likely pathogenic.